The following is an entry in ClinVar:

ClinVar aggregate classification (germline): Likely benign. Review status: criteria provided, multiple submitters, no conflicts (2 of 4 stars). 2 submissions from 2 submitters: Likely benign (2). Last evaluated 2026-02-04.

Conditions:
Mitochondrial complex II deficiency, nuclear type 1. Also called: SUCCINATE CoQ REDUCTASE DEFICIENCY. Identifiers: Orphanet 3208, MedGen C5700310, MONDO:0100294, OMIM 252011.
Pheochromocytoma/paraganglioma syndrome 5. Also called: Paragangliomas 5; SDHA-Related Hereditary Paraganglioma-Pheochromocytoma Syndrome. Identifiers: Orphanet 29072, MedGen C3279992, MONDO:0013602, OMIM 614165.

Allele frequency attached by ClinVar (database versions not stated): gnomAD exomes 0.00002 and 0.00007; ExAC 0.00004; gnomAD 0.00009 and 0.00011; TOPMed 0.00013.
gnomAD v4.1: 36 of 1,613,884 alleles (0.0022%); highest among the groups gnomAD compares: African/African-American, 0.037%; no homozygotes.

Submissions (2):

Labcorp Genetics (formerly Invitae), Labcorp
Classification: Likely benign for Pheochromocytoma/paraganglioma syndrome 5; Mitochondrial complex II deficiency, nuclear type 1. Last evaluated: 2026-02-04. Review status: criteria provided, single submitter. Criteria: Invitae Variant Classification Sherloc (09022015). Collection method: clinical testing. Allele origin: germline.

GeneDx
Classification: Likely benign. Last evaluated: 2017-04-24. Review status: criteria provided, single submitter. Criteria: GeneDx Variant Classification (06012015). Collection method: clinical testing. Allele origin: germline. Affected: yes.
Comment: This variant is considered likely benign or benign based on one or more of the following criteria: it is a conservative change, it occurs at a poorly conserved position in the protein, it is predicted to be benign by multiple in silico algorithms, and/or has population frequency not consistent with disease.

NM_004168.4(SDHA):c.621+16T>C

Gene: SDHA (succinate dehydrogenase complex flavoprotein subunit A; plus strand). Cytogenetic location: 5p15.33.
Variant type: single nucleotide variant.
Coding change: c.621+16T>C on transcript NM_004168.4 (MANE Select); 16 bases into the intron after coding-DNA position 621, T replaced by C.
Molecular consequence: intron variant.
Genome position (GRCh38, 1-based): chr5:226,063, T>C. VCF-style: chr5-226063-T-C. GRCh37 (hg19) VCF-style: chr5-226178-T-C.
Other names: c.621+16T>C (NM_001330758.2); c.477+16T>C (NM_001294332.2).
Identifiers: ClinVar variation 509111 (VCV000509111.9), dbSNP rs769390635, ClinGen allele CA3172897.